The following is an entry in ClinVar:

NM_001374385.1(ATP8B1):c.3401-175C>T

Genes: ATP8B1-AS1 (ATP8B1 antisense RNA 1; plus strand), ATP8B1 (ATPase phospholipid transporting 8B1; minus strand). Cytogenetic location: 18q21.31.
Variant type: single nucleotide variant.
Coding change: c.3401-175C>T on transcript NM_001374385.1 (MANE Select); 175 bases into the intron before coding-DNA position 3401, C replaced by T.
Molecular consequence: intron variant.
Genome position (GRCh38, 1-based): chr18:57,650,672, G>A on the plus strand (C>T on the coding strand, the complement: ATP8B1 is on the minus strand). VCF-style: chr18-57650672-G-A. GRCh37 (hg19) VCF-style: chr18-55317904-G-A.
Other names: c.3401-175C>T (NM_005603.6); c.3251-175C>T (NM_001374386.1).
Identifiers: ClinVar variation 1257475 (VCV001257475.3), dbSNP rs167603, ClinGen allele CA16559018.

ClinVar aggregate classification (germline): Benign. Review status: criteria provided, multiple submitters, no conflicts (2 of 4 stars). 2 submissions from 2 submitters: Benign (2). Last evaluated 2026-04-14.

Conditions:
Familial intrahepatic cholestasis. Identifiers: Orphanet 284385, MedGen CN296401, MONDO:0017290.

Allele frequency attached by ClinVar (database versions not stated): TOPMed 0.30572; 1000 Genomes Project 30x 0.33807; 1000 Genomes Project 0.33926.
gnomAD v4.1: 46,441 of 151,720 alleles (31%); highest among the groups gnomAD compares: East Asian, 40%; 7,208 homozygotes.

Submissions (2):

Genomenon, Inc
Classification: Benign for Familial intrahepatic cholestasis. Last evaluated: 2026-04-14. Review status: criteria provided, single submitter. Criteria: Genomenon Sequence Variant Interpretation Standards - Updated. Collection method: curation. Allele origin: germline. Affected: no.
Comment: ATP8B1 c.3401-175C>T is a deep intronic variant located in intron 26. This variant is present at high allele frequency in population databases. In conclusion, we classify ATP8B1 c.3401-175C>T as a benign variant.

GeneDx
Classification: Benign. Last evaluated: 2018-11-10. Review status: criteria provided, single submitter. Criteria: GeneDx Variant Classification Process June 2021. Collection method: clinical testing. Allele origin: germline. Affected: yes.